The following is an entry in ClinVar:

ClinVar aggregate classification (germline): Likely pathogenic (0 of 4 stars; one submission).

Conditions:
Cerebral arteriopathy, autosomal dominant, with subcortical infarcts and leukoencephalopathy, type 1 (CADASIL1). Also called: Cerebral arteriopathy with subcortical infarcts and leukoencephalopathy 1; CADASIL 1; CASIL; DEMENTIA, HEREDITARY MULTIINFARCT TYPE. Identifiers: Orphanet 136, MedGen C4551768, MONDO:0000914, OMIM 125310.

Submission:

Istanbul Faculty of Medicine, Istanbul University
Classification: Likely pathogenic for Cerebral arteriopathy with subcortical infarcts and leukoencephalopathy 1. Last evaluated: 2020-08-26. Review status: no assertion criteria provided. Collection method: clinical testing. Allele origin: germline. Affected: yes. Observed: 1 variant allele.

Literature cited by the submitters: DOI 10.4274/tnd.2021.91298.

NM_000435.3(NOTCH3):c.555T>G (p.Cys185Trp)

Gene: NOTCH3 (notch receptor 3; minus strand). Cytogenetic location: 19p13.12.
Variant type: single nucleotide variant.
Coding change: c.555T>G on transcript NM_000435.3 (MANE Select); coding-DNA position 555, T replaced by G.
Protein change: p.Cys185Trp; replaces cysteine 185 with tryptophan.
Molecular consequence: missense variant.
Genome position (GRCh38, 1-based): chr19:15,192,084, A>C on the plus strand (T>G on the coding strand, the complement: NOTCH3 is on the minus strand). VCF-style: chr19-15192084-A-C. GRCh37 (hg19) VCF-style: chr19-15302895-A-C.
Other names: short protein forms C185W.
Identifiers: ClinVar variation 978700 (VCV000978700.5), dbSNP rs2046932414, ClinGen allele CA404533583.